The following is an entry in ClinVar:

ClinVar aggregate classification (germline): Benign. Review status: criteria provided, single submitter (1 of 4 stars). 2 submissions from 2 submitters: Benign (1). 1 of the submissions does not count toward it. Last evaluated 2026-01-27.

Conditions:
ELOVL1-related disorder. Also called: ELOVL1-related condition.

Allele frequency attached by ClinVar (database versions not stated): gnomAD exomes 0.00060; ExAC 0.00220; 1000 Genomes Project 30x 0.00531; 1000 Genomes Project 0.00539; gnomAD 0.00649; TOPMed 0.00748; ESP Exome Variant Server 0.00900.

Submissions (2):

Labcorp Genetics (formerly Invitae), Labcorp
Classification: Benign. Last evaluated: 2026-01-27. Review status: criteria provided, single submitter. Criteria: Invitae Variant Classification Sherloc (09022015). Collection method: clinical testing. Allele origin: germline.

PreventionGenetics, part of Exact Sciences
Classification: Benign for ELOVL1-related condition. Last evaluated: 2019-12-16. Review status: no assertion criteria provided. Collection method: clinical testing. Allele origin: germline. Not counted in ClinVar's aggregate classification.
Comment: This variant is classified as benign based on ACMG/AMP sequence variant interpretation guidelines (Richards et al. 2015 PMID: 25741868, with internal and published modifications).

NM_022821.4(ELOVL1):c.46+7C>T

Gene: ELOVL1 (ELOVL fatty acid elongase 1; minus strand). Cytogenetic location: 1p34.2.
Variant type: single nucleotide variant.
Coding change: c.46+7C>T on transcript NM_022821.4 (MANE Select); 7 bases into the intron after coding-DNA position 46, C replaced by T.
Molecular consequence: intron variant.
Genome position (GRCh38, 1-based): chr1:43,365,557, G>A on the plus strand (C>T on the coding strand, the complement: ELOVL1 is on the minus strand). VCF-style: chr1-43365557-G-A. GRCh37 (hg19) VCF-style: chr1-43831228-G-A.
Other names: c.46+7C>T (NM_001256399.1, NM_001256401.2, NM_001256399.2); c.-7+7C>T (NM_001256402.2).
Identifiers: ClinVar variation 2052579 (VCV002052579.6), dbSNP rs6699687, ClinGen allele CA807728.